The following is an entry in ClinVar:

ClinVar aggregate classification (germline): Pathogenic (1 of 4 stars; one submission).

Conditions:
Neurofibromatosis. Identifiers: MedGen C0162678, MONDO:0021061.

Submission:

MVZ Dr. Eberhard & Partner Dortmund
Classification: Pathogenic for Neurofibromatosis. Last evaluated: 2023-11-23. Review status: criteria provided, single submitter. Criteria: ACMG Guidelines, 2015. Collection method: clinical testing. Allele origin: unknown, maternal. Observed: 2 variant alleles, 1 heterozygote.
Comment: This variant has not yet been described in the literature or variant databases and is not found in control groups of different ethnic groups. The nucleotide change at that position causes a premature stop codon and loss of function is a known mechanism for neurofibromatosis type 1.

NM_001042492.3(NF1):c.6188T>A (p.Leu2063Ter)

Gene: NF1 (neurofibromin 1; plus strand). Cytogenetic location: 17q11.2.
Variant type: single nucleotide variant.
Coding change: c.6188T>A on transcript NM_001042492.3 (MANE Select); coding-DNA position 6188, T replaced by A.
Protein change: p.Leu2063Ter; replaces leucine 2063 with a stop codon.
Molecular consequence: nonsense.
Genome position (GRCh38, 1-based): chr17:31,336,675, T>A. VCF-style: chr17-31336675-T-A. GRCh37 (hg19) VCF-style: chr17-29663693-T-A.
Other names: c.6125T>A, p.Leu2042Ter (NM_000267.4); short protein forms L2042*, L2063*.
Identifiers: ClinVar variation 2775421 (VCV002775421.2), dbSNP rs2151554391, ClinGen allele CA399011812.